The following is an entry in ClinVar:

ClinVar aggregate classification (germline): Pathogenic. Review status: criteria provided, multiple submitters, no conflicts (2 of 4 stars). 2 submissions from 2 submitters: Pathogenic (2). Last evaluated 2022-09-30.

Conditions:
CFAP251-related disorder. Also called: CFAP251-related condition.
Spermatogenic failure 33. Identifiers: MedGen C4748395, MONDO:0029147, OMIM 618152.

Allele frequency attached by ClinVar (database versions not stated): gnomAD exomes 0.00001; ExAC 0.00001.
gnomAD v4.1: 10 of 1,602,036 alleles (0.00062%); highest among the groups gnomAD compares: East Asian, 0.0046%; no homozygotes.

Submissions (2):

PreventionGenetics, part of Exact Sciences
Classification: Pathogenic for CFAP251-related condition. Last evaluated: 2022-09-30. Review status: criteria provided, single submitter. Criteria: ACMG Guidelines, 2015. Collection method: clinical testing. Allele origin: germline.
Comment: The CFAP251 c.799C>T variant is predicted to result in premature protein termination (p.Arg267*). This variant is reported in 0.0059% of alleles in individuals of East Asian descent in gnomAD. Nonsense variants in CFAP251 are expected to be pathogenic. This variant is interpreted as pathogenic.

Juno Genomics, Hangzhou Juno Genomics, Inc
Classification: Pathogenic for Spermatogenic failure 33. Review status: criteria provided, single submitter. Criteria: ACMG Guidelines, 2015. Collection method: clinical testing. Allele origin: germline. Affected: yes.
Comment: Absent from controls (or at extremely low frequency if recessive) in Genome Aggregation Database, Exome Sequencing Project, 1000 Genomes Project, or Exome Aggregation Consortium.;Null variant in a gene where loss of function (LOF) is a known mechanism of disease.;For recessive disorders, detected in trans with a pathogenic variant.

NM_144668.6(CFAP251):c.799C>T (p.Arg267Ter)

Gene: CFAP251 (cilia and flagella associated protein 251; plus strand). Cytogenetic location: 12q24.31.
Variant type: single nucleotide variant.
Coding change: c.799C>T on transcript NM_144668.6 (MANE Select); coding-DNA position 799, C replaced by T.
Protein change: p.Arg267Ter; replaces arginine 267 with a stop codon.
Molecular consequence: nonsense.
Genome position (GRCh38, 1-based): chr12:121,931,797, C>T. VCF-style: chr12-121931797-C-T. GRCh37 (hg19) VCF-style: chr12-122369703-C-T.
Other names: c.799C>T, p.Arg267Ter (NM_001178003.2); short protein forms R267*.
Identifiers: ClinVar variation 2636927 (VCV002636927.2), dbSNP rs745817765, ClinGen allele CA6840411.
Genomic context (GRCh38, chr12:121,931,797, plus strand): 5'-GTCTTCCAGACCATGACCTGGTCGTTTGGATGGAACAGTTCTCTTCCTGTTTACTATATT[C>T]GAGAGGAAAGGCAGAGAGTTCTTCTGTATGTTTGTGCTCACACTGCGATCATCTACAACG-3'